The following is an entry in ClinVar:

NM_000535.7(PMS2):c.1960C>T (p.Pro654Ser)

Gene: PMS2 (PMS1 homolog 2, mismatch repair system component; minus strand). Cytogenetic location: 7p22.1.
Variant type: single nucleotide variant.
Coding change: c.1960C>T on transcript NM_000535.7 (MANE Select); coding-DNA position 1960, C replaced by T.
Protein change: p.Pro654Ser; replaces proline 654 with serine.
Molecular consequence: missense variant. On other transcripts: non-coding transcript variant (1), intron variant (1).
Genome position (GRCh38, 1-based): chr7:5,986,805, G>A on the plus strand (C>T on the coding strand, the complement: PMS2 is on the minus strand). VCF-style: chr7-5986805-G-A. GRCh37 (hg19) VCF-style: chr7-6026436-G-A.
Other names: c.1624C>T, p.Pro542Ser (NM_001406885.1); c.1594C>T, p.Pro532Ser (NM_001406886.1); c.1555C>T, p.Pro519Ser (NM_001406887.1, NM_001406888.1, NM_001406889.1 and 17 more transcripts); c.1804C>T, p.Pro602Ser (NM_001322006.2, NM_001406870.1); c.1642C>T, p.Pro548Ser (NM_001322007.2, NM_001322008.2, NM_001406876.1 and 2 more transcripts); c.1399C>T, p.Pro467Ser (NM_001322010.2, NM_001406906.1, NM_001406907.1); c.1027C>T, p.Pro343Ser (NM_001322011.2, NM_001322012.2); c.1387C>T, p.Pro463Ser (NM_001322013.2, NM_001406909.1); and 13 more; short protein forms P519S, P542S, P551S, P598S, P602S, P463S, P483S, P546S.
Identifiers: ClinVar variation 2756435 (VCV002756435.3), dbSNP rs1583313284, ClinGen allele CA366739067.

ClinVar aggregate classification (germline): Uncertain significance (1 of 4 stars; one submission).

Conditions:
Hereditary nonpolyposis colorectal neoplasms. Identifiers: MedGen C0009405, MeSH D003123.

Allele frequency attached by ClinVar (database versions not stated): TOPMed below 0.00001.

Submission:

Labcorp Genetics (formerly Invitae), Labcorp
Classification: Uncertain significance for Hereditary nonpolyposis colorectal neoplasms. Last evaluated: 2023-08-30. Review status: criteria provided, single submitter. Criteria: Invitae Variant Classification Sherloc (09022015). Collection method: clinical testing. Allele origin: germline.
Comment: This sequence change replaces proline, which is neutral and non-polar, with serine, which is neutral and polar, at codon 654 of the PMS2 protein (p.Pro654Ser). This variant is not present in population databases (gnomAD no frequency). This variant has not been reported in the literature in individuals affected with PMS2-related conditions. Advanced modeling of protein sequence and biophysical properties (such as structural, functional, and spatial information, amino acid conservation, physicochemical variation, residue mobility, and thermodynamic stability) performed at Invitae indicates that this missense variant is expected to disrupt PMS2 protein function. In summary, the available evidence is currently insufficient to determine the role of this variant in disease. Therefore, it has been classified as a Variant of Uncertain Significance.